The following is an entry in ClinVar:

ClinVar aggregate classification (germline): Pathogenic/Likely pathogenic. Review status: criteria provided, multiple submitters, no conflicts (2 of 4 stars). 5 submissions from 5 submitters: Pathogenic (2); Likely pathogenic (1). 2 of the submissions do not count toward it. Last evaluated 2025-12-29.

Conditions:
Deficiency of butyrylcholinesterase (BCHED). Also called: Butyrylcholinesterase deficiency; BCHE, silent 1; Deficiency of butyrylcholine esterase; Acholinesterasemia. Identifiers: Orphanet 132, MedGen C1283400, MONDO:0015270, OMIM 617936.

Allele frequency attached by ClinVar (database versions not stated): gnomAD 0.00003 and 0.00005; TOPMed 0.00004; gnomAD exomes 0.00007 and 0.00012; ExAC 0.00013; 1000 Genomes Project 30x 0.00031; 1000 Genomes Project 0.00040.
gnomAD v4.1: 117 of 1,612,598 alleles (0.0073%); highest among the groups gnomAD compares: East Asian, 0.21%; no homozygotes.

Submissions (5):

Labcorp Genetics (formerly Invitae), Labcorp
Classification: Pathogenic. Last evaluated: 2025-12-29. Review status: criteria provided, single submitter. Criteria: Invitae Variant Classification Sherloc (09022015). Collection method: clinical testing. Allele origin: germline.
Comment: This sequence change replaces glycine, which is neutral and non-polar, with arginine, which is basic and polar, at codon 393 of the BCHE protein (p.Gly393Arg). This variant is present in population databases (rs115129687, gnomAD 0.2%). This missense change has been observed in individual(s) with butyrylcholinesterase deficiency (PMID: 9191541, 10404729, 11733654). This variant is also known as GLy365Arg. ClinVar contains an entry for this variant (Variation ID: 225301). Invitae Evidence Modeling of protein sequence and biophysical properties (such as structural, functional, and spatial information, amino acid conservation, physicochemical variation, residue mobility, and thermodynamic stability) indicates that this missense variant is expected to disrupt BCHE protein function with a positive predictive value of 95%. For these reasons, this variant has been classified as Pathogenic.

Women's Health and Genetics/Laboratory Corporation of America, LabCorp
Classification: Pathogenic for Deficiency of butyrylcholinesterase. Last evaluated: 2022-04-24. Review status: criteria provided, single submitter. Criteria: LabCorp Variant Classification Summary - May 2015. Collection method: clinical testing. Allele origin: germline.
Comment: Variant summary: BCHE c.1177G>C (p.Gly393Arg) results in a non-conservative amino acid change located in the Carboxylesterase, type B domain (IPR002018) of the encoded protein sequence. Three of five in-silico tools predict a damaging effect of the variant on protein function. The variant allele was found at a frequency of 0.00012 in 249686 control chromosomes, predominantly at a frequency of 0.0013 within the East Asian subpopulation in the gnomAD database. This frequency is not significantly higher than estimated for a pathogenic variant in BCHE causing Deficiency Of Butyrylcholine Esterase (0.00012 vs 0.016), allowing no conclusion about variant significance. c.1177G>C has been reported in the literature as BCHE*365R (p.Gly365Arg) or silent allele in homozygous and compound heterozygous genotypes among multiple Japanese individuals affected with Deficiency Of Butyrylcholine Esterase (example, Hada_1992, Sakamoto_2001, Maekawa_1997). These data indicate that the variant is very likely to be associated with disease. At least two publications report experimental evidence evaluating an impact on protein function (example, Hada_1992, Sakamoto_2001). The most pronounced variant effect results in absence of normal serum Butyrylcholine Esterase enzyme activity. Two clinical diagnostic laboratories have submitted clinical-significance assessments for this variant to ClinVar after 2014 without evidence for independent evaluation. One laboratory classified the variant as pathogenic and one laboratory classified the variant as uncertain significance. Based on the evidence outlined above, the variant was classified as pathogenic.

Juno Genomics, Hangzhou Juno Genomics, Inc
Classification: Likely pathogenic for Deficiency of butyrylcholinesterase. Review status: criteria provided, single submitter. Criteria: ACMG Guidelines, 2015. Collection method: clinical testing. Allele origin: germline.
Comment: Absent from controls (or at extremely low frequency if recessive) in Genome Aggregation Database.;Multiple lines of computational evidence support a deleterious effect on the gene or gene product.;For recessive disorders, detected in trans with a pathogenic variant.;Patient's phenotype or family history is highly specific for a disease with a single genetic etiology.

Counsyl
Classification: Pathogenic. Last evaluated: 2017-06-16. Review status: no assertion criteria provided. Collection method: clinical testing. Allele origin: unknown. Not counted in ClinVar's aggregate classification.

Soonchunhyang University Bucheon Hospital, Soonchunhyang University Medical Center
Classification: Uncertain significance. Last evaluated: 2016-03-18. Review status: flagged submission. Criteria: ACMG Guidelines, 2015. Collection method: reference population. Allele origin: germline. Observed: 2 variant alleles. Not counted in ClinVar's aggregate classification.
ClinVar note: Reason: Outlier claim with insufficient supporting evidence

Literature cited by the submitters: PubMed 9191541 (cited by 3 submitters); PubMed 10404729 (cited by Labcorp Genetics (formerly Invitae), Labcorp and Counsyl); PubMed 11733654 (cited by 3 submitters); PubMed 1611188 (cited by 3 submitters).

NM_000055.4(BCHE):c.1177G>C (p.Gly393Arg)

Gene: BCHE (butyrylcholinesterase; minus strand). Cytogenetic location: 3q26.1.
Variant type: single nucleotide variant.
Coding change: c.1177G>C on transcript NM_000055.4 (MANE Select); coding-DNA position 1177, G replaced by C.
Protein change: p.Gly393Arg; replaces glycine 393 with arginine.
Molecular consequence: missense variant. On other transcripts: non-coding transcript variant (1).
Genome position (GRCh38, 1-based): chr3:165,829,857, C>G on the plus strand (G>C on the coding strand, the complement: BCHE is on the minus strand). VCF-style: chr3-165829857-C-G. GRCh37 (hg19) VCF-style: chr3-165547645-C-G.
Other names: short protein forms G393R.
Identifiers: ClinVar variation 225301 (VCV000225301.8), dbSNP rs115129687, ClinGen allele CA2692359.